The following is an entry in ClinVar:

NM_001365999.1(SZT2):c.5506A>C (p.Ser1836Arg)

Gene: SZT2 (SZT2 subunit of KICSTOR complex; plus strand). Cytogenetic location: 1p34.2.
Variant type: single nucleotide variant.
Coding change: c.5506A>C on transcript NM_001365999.1 (MANE Select); coding-DNA position 5506, A replaced by C.
Protein change: p.Ser1836Arg; replaces serine 1836 with arginine.
Molecular consequence: missense variant.
Genome position (GRCh38, 1-based): chr1:43,432,580, A>C. VCF-style: chr1-43432580-A-C. GRCh37 (hg19) VCF-style: chr1-43898251-A-C.
Other names: c.5335A>C, p.Ser1779Arg (NM_015284.4); short protein forms S1779R, S1836R.
Identifiers: ClinVar variation 2122057 (VCV002122057.4), dbSNP rs2545831466, ClinGen allele CA340025488.
Genomic context (GRCh38, chr1:43,432,580, plus strand): 5'-CTGACAGCCAGCCCCCAAGCACCTGGGTCCCCAGAGGATTCTGAGGGTGTCCCCCTCATC[A>C]GCCTGCCCCGCGTGCCACAGGGAGGTAAGAGAGGACTTGGGCAGCAGTCTGGAGGCCAGG-3'
Protein context (NP_001352928.1, residues 1826-1846): PEDSEGVPLI[Ser1836Arg]LPRVPQGGSQ

ClinVar aggregate classification (germline): Uncertain significance (1 of 4 stars; one submission).

Submission:

Labcorp Genetics (formerly Invitae), Labcorp
Classification: Uncertain significance. Last evaluated: 2022-09-07. Review status: criteria provided, single submitter. Criteria: Invitae Variant Classification Sherloc (09022015). Collection method: clinical testing. Allele origin: germline.
Comment: This sequence change replaces serine, which is neutral and polar, with arginine, which is basic and polar, at codon 1779 of the SZT2 protein (p.Ser1779Arg). This variant is not present in population databases (gnomAD no frequency). This variant has not been reported in the literature in individuals affected with SZT2-related conditions. Algorithms developed to predict the effect of missense changes on protein structure and function are either unavailable or do not agree on the potential impact of this missense change (SIFT: "Deleterious"; PolyPhen-2: "Benign"; Align-GVGD: "Class C0"). In summary, the available evidence is currently insufficient to determine the role of this variant in disease. Therefore, it has been classified as a Variant of Uncertain Significance.